The following is an entry in ClinVar:

NM_020971.3(SPTBN4):c.1160T>C (p.Leu387Pro)

Gene: SPTBN4 (spectrin beta, non-erythrocytic 4; plus strand). Cytogenetic location: 19q13.2.
Variant type: single nucleotide variant.
Coding change: c.1160T>C on transcript NM_020971.3 (MANE Select); coding-DNA position 1160, T replaced by C.
Protein change: p.Leu387Pro; replaces leucine 387 with proline.
Molecular consequence: missense variant.
Genome position (GRCh38, 1-based): chr19:40,502,464, T>C. VCF-style: chr19-40502464-T-C. GRCh37 (hg19) VCF-style: chr19-41008371-T-C.
Other names: short protein forms L387P.
Identifiers: ClinVar variation 5030195 (VCV005030195.1).

ClinVar aggregate classification (germline): Uncertain significance (1 of 4 stars; one submission).

Conditions:
Inborn genetic diseases. Identifiers: MedGen C0950123, MeSH D030342.

gnomAD v4.1: 2 of 1,613,586 alleles (0.00012%); highest among the groups gnomAD compares: Non-Finnish European, 0.000085%; no homozygotes.

Submission:

Ambry Genetics
Classification: Uncertain significance for Inborn genetic diseases. Last evaluated: 2026-08-18. Review status: criteria provided, single submitter. Criteria: Ambry Variant Classification Scheme 2023. Collection method: clinical testing. Allele origin: germline.
Comment: The c.1160T>C (p.L387P) alteration is located in exon 10 (coding exon 9) of the SPTBN4 gene. This alteration results from a T to C substitution at nucleotide position 1160, causing the leucine (L) at amino acid position 387 to be replaced by a proline (P). Based on data from gnomAD, the C allele has an overall frequency of <0.001% (1/250880) total alleles studied. The highest observed frequency was 0.001% (1/113438) of European (non-Finnish) alleles. Based on insufficient or conflicting evidence, the clinical significance of this alteration remains unclear.